The following is an entry in ClinVar:

NM_001397362.1(CRIPTO3):c.213A>G (p.Gly71=)

Gene: CRIPTO3 (cripto, EGF-CFC family member 3; plus strand). Cytogenetic location: Xq23.
Variant type: single nucleotide variant.
Coding change: c.213A>G on transcript NM_001397362.1 (MANE Select); coding-DNA position 213, A replaced by G.
Protein change: p.Gly71=; no amino-acid change (glycine 71 retained).
Molecular consequence: synonymous variant.
Genome position (GRCh38, 1-based): chrX:110,521,342, A>G. VCF-style: chrX-110521342-A-G. GRCh37 (hg19) VCF-style: chrX-109764570-A-G.
Identifiers: ClinVar variation 3770543 (VCV003770543.13).
Genomic context (GRCh38, chrX:110,521,342, plus strand): 5'-TTGGCCCCAGGAGGAGCCTGCAATTCGGCCTCGGTCTTCCCAGCGTGTGCTGCCCATGGG[A>G]ATACAGCACAGTAAGGAGCTAAACAGAACCTGCTGCCTGAATGGGGGAACCTGCATGCTG-3'
Protein context (NP_001384291.1, residues 61-81): PRSSQRVLPM[Gly71=]IQHSKELNRT

ClinVar aggregate classification (germline): Likely benign (1 of 4 stars; one submission).

Submission:

CeGaT Center for Human Genetics Tuebingen
Classification: Likely benign. Last evaluated: 2026-06-01. Review status: criteria provided, single submitter. Criteria: CeGaT Center For Human Genetics Tuebingen Variant Classification Criteria Version 2. Collection method: clinical testing. Allele origin: germline. Affected: yes. Observed: 2 variant alleles.
Comment: CRIPTO3: BP4, BP7